The following is an entry in ClinVar:

ClinVar aggregate classification (germline): Uncertain significance (1 of 4 stars; one submission).

Allele frequency attached by ClinVar (database versions not stated): ExAC 0.00007.
gnomAD v4.1: 4 of 1,087,312 alleles (0.00037%); highest among the groups gnomAD compares: South Asian, 0.0071%; no homozygotes.

Submission:

Labcorp Genetics (formerly Invitae), Labcorp
Classification: Uncertain significance. Last evaluated: 2025-08-15. Review status: criteria provided, single submitter. Criteria: Invitae Variant Classification Sherloc (09022015). Collection method: clinical testing. Allele origin: germline.
Comment: This sequence change replaces asparagine, which is neutral and polar, with lysine, which is basic and polar, at codon 316 of the NARS2 protein (p.Asn316Lys). The frequency data for this variant in the population databases is considered unreliable, as metrics indicate poor data quality at this position in the gnomAD database. This variant has not been reported in the literature in individuals affected with NARS2-related conditions. ClinVar contains an entry for this variant (Variation ID: 2700897). Invitae Evidence Modeling of protein sequence and biophysical properties (such as structural, functional, and spatial information, amino acid conservation, physicochemical variation, residue mobility, and thermodynamic stability) indicates that this missense variant is not expected to disrupt NARS2 protein function with a negative predictive value of 80%. Algorithms developed to predict the effect of sequence changes on RNA splicing suggest that this variant may disrupt the consensus splice site. In summary, the available evidence is currently insufficient to determine the role of this variant in disease. Therefore, it has been classified as a Variant of Uncertain Significance.

NM_024678.6(NARS2):c.948C>A (p.Asn316Lys)

Gene: NARS2 (asparaginyl-tRNA synthetase 2, mitochondrial; minus strand). Cytogenetic location: 11q14.1.
Variant type: single nucleotide variant.
Coding change: c.948C>A on transcript NM_024678.6 (MANE Select); coding-DNA position 948, C replaced by A.
Protein change: p.Asn316Lys; replaces asparagine 316 with lysine.
Molecular consequence: missense variant.
Genome position (GRCh38, 1-based): chr11:78,478,449, G>T on the plus strand (C>A on the coding strand, the complement: NARS2 is on the minus strand). VCF-style: chr11-78478449-G-T. GRCh37 (hg19) VCF-style: chr11-78189495-G-T.
Other names: c.267C>A, p.Asn89Lys (NM_001243251.2, NM_001425310.1, NM_001425312.1 and 2 more transcripts); c.948C>A, p.Asn316Lys (NM_001425299.1, NM_001425300.1, NM_001425304.1 and 1 more transcripts); c.943C>A, p.Gln315Lys (NM_001425301.1, NM_001425306.1); c.867C>A, p.Asn289Lys (NM_001425302.1, NM_001425303.1); c.720C>A, p.Asn240Lys (NM_001425307.1); c.717C>A, p.Asn239Lys (NM_001425308.1); c.297C>A, p.Asn99Lys (NM_001425311.1); short protein forms N316K, N99K, N289K, Q315K, N240K, N89K, N239K.
Identifiers: ClinVar variation 2700897 (VCV002700897.3), dbSNP rs1555018045, ClinGen allele CA6205646.
Genomic context (GRCh38, chr11:78,478,449, plus strand): 5'-TAAATACAGTGATAATGAATAAAGTTCAAAAAGTATAACATCTACTTACATTAAAAAGTT[G>T]TTTTTTAGCATATGTTCTAATCTGTCCTTAATAAAAAGACAAAAAAGAAAATTTTAAAAA-3'
Protein context (NP_078954.4, residues 306-326): QKDRLEHMLK[Asn316Lys]NFLIISYTEA